The following is an entry in ClinVar:

NM_006236.3(POU3F3):c.570C>G (p.Ala190=)

Gene: POU3F3 (POU class 3 homeobox 3; plus strand). Cytogenetic location: 2q12.1.
Variant type: single nucleotide variant.
Coding change: c.570C>G on transcript NM_006236.3 (MANE Select); coding-DNA position 570, C replaced by G.
Protein change: p.Ala190=; no amino-acid change (alanine 190 retained).
Molecular consequence: synonymous variant.
Genome position (GRCh38, 1-based): chr2:104,856,080, C>G. VCF-style: chr2-104856080-C-G. GRCh37 (hg19) VCF-style: chr2-105472538-C-G.
Identifiers: ClinVar variation 3032088 (VCV003032088.2), dbSNP rs1188828047, ClinGen allele CA428207425.
Genomic context (GRCh38, chr2:104,856,080, plus strand): 5'-GCACCTCGGACCCCCGCCGCCGCCCCCACACCAGGGCCACCCTGGGGGCTGGGGGGCGGC[C>G]GCCGCTGCCGCAGCCGCAGCCGCCGCCGCCGCCGCCGCCGCGCACCTCCCGTCCATGGCC-3'
Protein context (NP_006227.1, residues 180-200): HQGHPGGWGA[Ala190=]AAAAAAAAAA

ClinVar aggregate classification (germline): Likely benign (0 of 4 stars; one submission).

Conditions:
POU3F3-related disorder. Also called: POU3F3-related condition.

Submission:

PreventionGenetics, part of Exact Sciences
Classification: Likely benign for POU3F3-related condition. Last evaluated: 2021-04-23. Review status: no assertion criteria provided. Collection method: clinical testing. Allele origin: germline.
Comment: This variant is classified as likely benign based on ACMG/AMP sequence variant interpretation guidelines (Richards et al. 2015 PMID: 25741868, with internal and published modifications).